The following is an entry in ClinVar:

ClinVar aggregate classification (germline): Uncertain significance (1 of 4 stars; one submission).

Allele frequency attached by ClinVar (database versions not stated): gnomAD 0.00003; ExAC 0.00009.
gnomAD v4.1: 23 of 1,551,462 alleles (0.0015%); highest among the groups gnomAD compares: Non-Finnish European, 0.0018%; no homozygotes.

Submission:

Labcorp Genetics (formerly Invitae), Labcorp
Classification: Uncertain significance. Last evaluated: 2024-11-05. Review status: criteria provided, single submitter. Criteria: Invitae Variant Classification Sherloc (09022015). Collection method: clinical testing. Allele origin: germline.
Comment: This sequence change replaces glycine, which is neutral and non-polar, with serine, which is neutral and polar, at codon 47 of the DTHD1 protein (p.Gly47Ser). This variant is present in population databases (rs774590229, gnomAD 0.01%). This variant has not been reported in the literature in individuals affected with DTHD1-related conditions. ClinVar contains an entry for this variant (Variation ID: 2063211). An algorithm developed to predict the effect of missense changes on protein structure and function outputs the following: PolyPhen-2: "Benign". The serine amino acid residue is found in multiple mammalian species, which suggests that this missense change does not adversely affect protein function. Algorithms developed to predict the effect of sequence changes on RNA splicing suggest that this variant may create or strengthen a splice site. In summary, the available evidence is currently insufficient to determine the role of this variant in disease. Therefore, it has been classified as a Variant of Uncertain Significance.

NM_001170700.3(DTHD1):c.1009G>A (p.Gly337Ser)

Gene: DTHD1 (death domain containing 1; plus strand). Cytogenetic location: 4p14.
Variant type: single nucleotide variant.
Coding change: c.1009G>A on transcript NM_001170700.3 (MANE Select); coding-DNA position 1009, G replaced by A.
Protein change: p.Gly337Ser; replaces glycine 337 with serine.
Molecular consequence: missense variant. On other transcripts: non-coding transcript variant (2).
Genome position (GRCh38, 1-based): chr4:36,290,494, G>A. VCF-style: chr4-36290494-G-A. GRCh37 (hg19) VCF-style: chr4-36292116-G-A.
Other names: c.139G>A, p.Gly47Ser (NM_001136536.5, NM_001378435.1); short protein forms G47S, G337S.
Identifiers: ClinVar variation 2063211 (VCV002063211.4), dbSNP rs774590229, ClinGen allele CA2885601.